The following is an entry in ClinVar:

ClinVar aggregate classification (germline): Uncertain significance (1 of 4 stars; one submission).

Conditions:
Joubert syndrome. Also called: CEREBELLOPARENCHYMAL DISORDER IV; JOUBERT-BOLTSHAUSER SYNDROME; Familial aplasia of the vermis. Identifiers: Orphanet 475, MedGen C5979921, MONDO:0018772.
Nephronophthisis. Also called: Juvenile Nephronophthisis. Identifiers: Orphanet 655, MedGen C0687120, MONDO:0019005, HP:0000090.
Meckel-Gruber syndrome. Also called: DYSENCEPHALIA SPLANCHNOCYSTICA; GRUBER SYNDROME; Dysencephalia splachnocystica. Identifiers: Orphanet 564, MedGen C0265215, MONDO:0018921.

Submission:

Labcorp Genetics (formerly Invitae), Labcorp
Classification: Uncertain significance for Joubert syndrome; Meckel-Gruber syndrome; Nephronophthisis. Last evaluated: 2024-11-05. Review status: criteria provided, single submitter. Criteria: Invitae Variant Classification Sherloc (09022015). Collection method: clinical testing. Allele origin: germline.
Comment: This sequence change replaces histidine, which is basic and polar, with tyrosine, which is neutral and polar, at codon 1539 of the CEP290 protein (p.His1539Tyr). Information on the frequency of this variant in the gnomAD database is not available, as this variant may be reported differently in the database. This variant has not been reported in the literature in individuals affected with CEP290-related conditions. ClinVar contains an entry for this variant (Variation ID: 2158412). Experimental studies and prediction algorithms are not available or were not evaluated, and the functional significance of this variant is currently unknown. In summary, the available evidence is currently insufficient to determine the role of this variant in disease. Therefore, it has been classified as a Variant of Uncertain Significance.

NM_025114.4(CEP290):c.4614_4615delinsCT (p.His1539Tyr)

Gene: CEP290 (centrosomal protein 290; minus strand). Cytogenetic location: 12q21.32.
Variant type: Indel.
Coding change: c.4614_4615delinsCT on transcript NM_025114.4 (MANE Select); coding-DNA positions 4614 to 4615, TC replaced by CT.
Protein change: p.His1539Tyr; replaces histidine 1539 with tyrosine.
Molecular consequence: missense variant.
Genome position (GRCh38, 1-based): chr12:88,084,675-88,084,676, GA replaced by AG on the plus strand (TC replaced by CT on the coding strand, the reverse complement: CEP290 is on the minus strand). VCF-style: chr12-88084675-GA-AG. GRCh37 (hg19) VCF-style: chr12-88478452-GA-AG.
Other names: short protein forms H1539Y.
Identifiers: ClinVar variation 2158412 (VCV002158412.4), dbSNP rs2499987265, ClinGen allele CA2580086803.